The following is an entry in ClinVar:

NM_003049.4(SLC10A1):c.791_792dup (p.Leu265fs)

Gene: SLC10A1 (solute carrier family 10 member 1; minus strand). Cytogenetic location: 14q24.1.
Variant type: Duplication.
Coding change: c.791_792dup on transcript NM_003049.4 (MANE Select); coding-DNA positions 791 to 792, 2 bases duplicated (AA; older notation c.791_792dupAA).
Protein change: p.Leu265fs; shifts the reading frame from leucine 265.
Molecular consequence: frameshift variant.
Genome position (GRCh38, 1-based): chr14:69,778,484-69,778,485, TT duplicated on the plus strand (AA on the coding strand, the reverse complement: SLC10A1 is on the minus strand). VCF-style (leftmost placement, unchanged base first): chr14-69778483-G-GTT. GRCh37 (hg19) VCF-style: chr14-70245200-G-GTT.
Other names: short protein forms L265fs.
Identifiers: ClinVar variation 3354921 (VCV003354921.2).

ClinVar aggregate classification (germline): Likely pathogenic (1 of 4 stars; one submission).

Conditions:
SLC10A1-related disorder. Also called: SLC10A1-related condition.

Submission:

PreventionGenetics, part of Exact Sciences
Classification: Likely pathogenic for SLC10A1-related condition. Last evaluated: 2026-08-28. Review status: criteria provided, single submitter. Criteria: ACMG Guidelines, 2015. Collection method: clinical testing. Allele origin: germline.
Comment: The SLC10A1 c.791_792dupAA variant is predicted to result in a frameshift and premature protein termination (p.Leu265Asnfs*27). To our knowledge, this variant has not been reported in the literature. This variant is reported in 0.038% of alleles in individuals of Latino descent in gnomAD. Frameshift variants in SLC10A1 are expected to be pathogenic. This variant is interpreted as likely pathogenic.